The following is an entry in ClinVar:

NM_006231.4(POLE):c.6763A>G (p.Ile2255Val)

Gene: POLE (DNA polymerase epsilon, catalytic subunit; minus strand). Cytogenetic location: 12q24.33.
Variant type: single nucleotide variant.
Coding change: c.6763A>G on transcript NM_006231.4 (MANE Select); coding-DNA position 6763, A replaced by G.
Protein change: p.Ile2255Val; replaces isoleucine 2255 with valine.
Molecular consequence: missense variant.
Genome position (GRCh38, 1-based): chr12:132,624,795, T>C on the plus strand (A>G on the coding strand, the complement: POLE is on the minus strand). VCF-style: chr12-132624795-T-C. GRCh37 (hg19) VCF-style: chr12-133201381-T-C.
Other names: short protein forms I2255V.
Identifiers: ClinVar variation 240618 (VCV000240618.11), dbSNP rs73155056, ClinGen allele CA10582964.

ClinVar aggregate classification (germline): Conflicting classifications of pathogenicity. Review status: criteria provided, conflicting classifications (1 of 4 stars). 3 submissions from 3 submitters: Uncertain significance (2); Likely benign (1). Last evaluated 2025-11-23.

Conditions:
Hereditary cancer-predisposing syndrome. Also called: Tumor predisposition; Neoplastic Syndromes, Hereditary; Hereditary Cancer Syndrome; Hereditary neoplastic syndrome. Identifiers: Orphanet 140162, MedGen C0027672, MeSH D009386, MONDO:0015356.

Submissions (3):

Labcorp Genetics (formerly Invitae), Labcorp
Classification: Uncertain significance. Last evaluated: 2025-11-23. Review status: criteria provided, single submitter. Criteria: Invitae Variant Classification Sherloc (09022015). Collection method: clinical testing. Allele origin: germline.
Comment: This sequence change replaces isoleucine, which is neutral and non-polar, with valine, which is neutral and non-polar, at codon 2255 of the POLE protein (p.Ile2255Val). This variant is not present in population databases (gnomAD no frequency). This variant has not been reported in the literature in individuals affected with POLE-related conditions. ClinVar contains an entry for this variant (Variation ID: 240618). Invitae Evidence Modeling of protein sequence and biophysical properties (such as structural, functional, and spatial information, amino acid conservation, physicochemical variation, residue mobility, and thermodynamic stability) indicates that this missense variant is not expected to disrupt POLE protein function with a negative predictive value of 80%. In summary, the available evidence is currently insufficient to determine the role of this variant in disease. Therefore, it has been classified as a Variant of Uncertain Significance.

Ambry Genetics
Classification: Likely benign for Hereditary cancer-predisposing syndrome. Last evaluated: 2024-12-23. Review status: criteria provided, single submitter. Criteria: Ambry Variant Classification Scheme 2023. Collection method: clinical testing. Allele origin: germline.

GeneDx
Classification: Uncertain significance. Last evaluated: 2024-02-07. Review status: criteria provided, single submitter. Criteria: GeneDx Variant Classification Process June 2021. Collection method: clinical testing. Allele origin: germline. Affected: yes.
Comment: Not observed at significant frequency in large population cohorts (gnomAD); In silico analysis supports that this missense variant does not alter protein structure/function; Has not been previously published as pathogenic or benign to our knowledge; This variant is associated with the following publications: (PMID: 29056344, 27093186)